The following is an entry in ClinVar:

NM_005430.4(WNT1):c.639G>T (p.Glu213Asp)

Gene: WNT1 (Wnt family member 1; plus strand). Cytogenetic location: 12q13.12.
Variant type: single nucleotide variant.
Coding change: c.639G>T on transcript NM_005430.4 (MANE Select); coding-DNA position 639, G replaced by T.
Protein change: p.Glu213Asp; replaces glutamic acid 213 with aspartic acid.
Molecular consequence: missense variant.
Genome position (GRCh38, 1-based): chr12:48,981,166, G>T. VCF-style: chr12-48981166-G-T. GRCh37 (hg19) VCF-style: chr12-49374949-G-T.
Other names: short protein forms E213D.
Identifiers: ClinVar variation 3618966 (VCV003618966.2).
Genomic context (GRCh38, chr12:48,981,166, plus strand): 5'-TCTGGCCCGGTGCCCTGGGACACTCTTTCTTCCCCTATCCCCGCAGACCGTATTCTCCGA[G>T]ATGCGCCAGGAGTGCAAGTGCCACGGGATGTCCGGCTCATGCACGGTGCGCACGTGCTGG-3'
Protein context (NP_005421.1, residues 203-223): NEAGRTTVFS[Glu213Asp]MRQECKCHGM

ClinVar aggregate classification (germline): Uncertain significance (1 of 4 stars; one submission).

gnomAD v4.1: 3 of 1,612,132 alleles (0.00019%); highest among the groups gnomAD compares: Non-Finnish European, 0.00025%; no homozygotes.

Submission:

Labcorp Genetics (formerly Invitae), Labcorp
Classification: Uncertain significance. Last evaluated: 2024-05-31. Review status: criteria provided, single submitter. Criteria: Invitae Variant Classification Sherloc (09022015). Collection method: clinical testing. Allele origin: germline.
Comment: This sequence change replaces glutamic acid, which is acidic and polar, with aspartic acid, which is acidic and polar, at codon 213 of the WNT1 protein (p.Glu213Asp). This variant is present in population databases (no rsID available, gnomAD 0.002%). This variant has not been reported in the literature in individuals affected with WNT1-related conditions. Advanced modeling of protein sequence and biophysical properties (such as structural, functional, and spatial information, amino acid conservation, physicochemical variation, residue mobility, and thermodynamic stability) performed at Invitae indicates that this missense variant is not expected to disrupt WNT1 protein function with a negative predictive value of 80%. In summary, the available evidence is currently insufficient to determine the role of this variant in disease. Therefore, it has been classified as a Variant of Uncertain Significance.